The following is an entry in ClinVar:

ClinVar aggregate classification (germline): Conflicting classifications of pathogenicity. Review status: criteria provided, conflicting classifications (1 of 4 stars). 6 submissions from 6 submitters: Uncertain significance (4); Likely benign (2). Last evaluated 2026-01-17.

Conditions:
Inborn genetic diseases. Identifiers: MedGen C0950123, MeSH D030342.
LAMA2-related muscular dystrophy (LAMA2-RD). Also called: Laminin alpha 2-related dystrophy. Identifiers: MedGen C5679788, MONDO:0100228.

Allele frequency attached by ClinVar (database versions not stated): 1000 Genomes Project 0.00020; gnomAD exomes 0.00011; ExAC 0.00014; gnomAD 0.00014 and 0.00015; 1000 Genomes Project 30x 0.00016; TOPMed 0.00016; ESP Exome Variant Server 0.00038.
gnomAD v4.1: 501 of 1,613,936 alleles (0.031%); highest among the groups gnomAD compares: Non-Finnish European, 0.041%; no homozygotes.

Submissions (6):

Labcorp Genetics (formerly Invitae), Labcorp
Classification: Likely benign for LAMA2-related muscular dystrophy. Last evaluated: 2026-01-17. Review status: criteria provided, single submitter. Criteria: Invitae Variant Classification Sherloc (09022015). Collection method: clinical testing. Allele origin: germline.

Mayo Clinic Laboratories, Mayo Clinic
Classification: Uncertain significance. Last evaluated: 2024-09-27. Review status: criteria provided, single submitter. Criteria: ACMG Guidelines, 2015. Collection method: clinical testing. Allele origin: germline. Observed: 2 variant alleles.
Comment: BP4, PM2_supporting

GeneDx
Classification: Uncertain significance. Last evaluated: 2024-08-07. Review status: criteria provided, single submitter. Criteria: GeneDx Variant Classification Process June 2021. Collection method: clinical testing. Allele origin: germline.
Comment: In silico analysis supports that this missense variant has a deleterious effect on protein structure/function; Has not been previously published as pathogenic or benign to our knowledge

Revvity Omics, Revvity
Classification: Uncertain significance. Last evaluated: 2023-02-16. Review status: criteria provided, single submitter. Criteria: ACMG Guidelines, 2015. Collection method: clinical testing. Allele origin: germline.

Ambry Genetics
Classification: Likely benign for Inborn genetic diseases. Last evaluated: 2022-07-31. Review status: criteria provided, single submitter. Criteria: Ambry Variant Classification Scheme 2023. Collection method: clinical testing. Allele origin: germline.

Eurofins Ntd Llc (ga)
Classification: Uncertain significance. Last evaluated: 2015-02-13. Review status: criteria provided, single submitter. Criteria: EGL Classification Definitions 2015. Collection method: clinical testing. Allele origin: germline. Observed: 1 variant allele, 1 heterozygote.

NM_000426.4(LAMA2):c.2993G>A (p.Arg998His)

Gene: LAMA2 (laminin subunit alpha 2; plus strand). Cytogenetic location: 6q22.33.
Variant type: single nucleotide variant.
Coding change: c.2993G>A on transcript NM_000426.4 (MANE Select); coding-DNA position 2993, G replaced by A.
Protein change: p.Arg998His; replaces arginine 998 with histidine.
Molecular consequence: missense variant.
Genome position (GRCh38, 1-based): chr6:129,297,821, G>A. VCF-style: chr6-129297821-G-A. GRCh37 (hg19) VCF-style: chr6-129618966-G-A.
Other names: p.Arg998His; c.2993G>A, p.Arg998His (NM_001079823.2); short protein forms R998H.
Identifiers: ClinVar variation 195566 (VCV000195566.23), dbSNP rs144946631, ClinGen allele CA242031.
Genomic context (GRCh38, chr6:129,297,821, plus strand): 5'-ACTGTGAAGAGAGTGGACAATGTTGGTGCCAACCTGGAGTCACAGGGAAGAAATGTGACC[G>A]CTGTGCCCACGGCTATTTCAACTTCCAAGAAGGAGGCTGCACAGGTCTGTAAATATGACT-3'
Protein context (NP_000417.3, residues 988-1008): QPGVTGKKCD[Arg998His]CAHGYFNFQE